The following is an entry in ClinVar:

ClinVar aggregate classification (germline): Uncertain significance (1 of 4 stars; one submission).

Conditions:
Congenital contractural arachnodactyly (CCA). Also called: BEALS SYNDROME; Beals-Hecht syndrome; Arthrogryposis, distal, type 9. Identifiers: Orphanet 115, MedGen C0220668, MONDO:0007363, OMIM 121050.

gnomAD v4.1: 2 of 1,613,994 alleles (0.00012%); highest among the groups gnomAD compares: Non-Finnish European, 0.00017%; no homozygotes.

Submission:

Labcorp Genetics (formerly Invitae), Labcorp
Classification: Uncertain significance for Congenital contractural arachnodactyly. Last evaluated: 2025-01-28. Review status: criteria provided, single submitter. Criteria: Invitae Variant Classification Sherloc (09022015). Collection method: clinical testing. Allele origin: germline.
Comment: This sequence change replaces isoleucine, which is neutral and non-polar, with asparagine, which is neutral and polar, at codon 1349 of the FBN2 protein (p.Ile1349Asn). This variant is not present in population databases (gnomAD no frequency). This variant has not been reported in the literature in individuals affected with FBN2-related conditions. Invitae Evidence Modeling of protein sequence and biophysical properties (such as structural, functional, and spatial information, amino acid conservation, physicochemical variation, residue mobility, and thermodynamic stability) indicates that this missense variant is not expected to disrupt FBN2 protein function with a negative predictive value of 80%. In summary, the available evidence is currently insufficient to determine the role of this variant in disease. Therefore, it has been classified as a Variant of Uncertain Significance.

NM_001999.4(FBN2):c.4046T>A (p.Ile1349Asn)

Gene: FBN2 (fibrillin 2; minus strand). Cytogenetic location: 5q23.3.
Variant type: single nucleotide variant.
Coding change: c.4046T>A on transcript NM_001999.4 (MANE Select); coding-DNA position 4046, T replaced by A.
Protein change: p.Ile1349Asn; replaces isoleucine 1349 with asparagine.
Molecular consequence: missense variant.
Genome position (GRCh38, 1-based): chr5:128,334,772, A>T on the plus strand (T>A on the coding strand, the complement: FBN2 is on the minus strand). VCF-style: chr5-128334772-A-T. GRCh37 (hg19) VCF-style: chr5-127670464-A-T.
Other names: short protein forms I1349N.
Identifiers: ClinVar variation 3692955 (VCV003692955.2).